The following is an entry in ClinVar:

NM_000492.4(CFTR):c.120C>T (p.Ile40=)

Gene: CFTR (CF transmembrane conductance regulator; plus strand). Cytogenetic location: 7q31.2.
Variant type: single nucleotide variant.
Coding change: c.120C>T on transcript NM_000492.4 (MANE Select); coding-DNA position 120, C replaced by T.
Protein change: p.Ile40=; no amino-acid change (isoleucine 40 retained).
Molecular consequence: synonymous variant.
Genome position (GRCh38, 1-based): chr7:117,504,319, C>T. VCF-style: chr7-117504319-C-T. GRCh37 (hg19) VCF-style: chr7-117144373-C-T.
Identifiers: ClinVar variation 787474 (VCV000787474.15), dbSNP rs376538363, ClinGen allele CA4450641.

ClinVar aggregate classification (germline): Likely benign. Review status: criteria provided, multiple submitters, no conflicts (2 of 4 stars). 4 submissions from 4 submitters: Likely benign (3). 1 of the submissions does not count toward it. Last evaluated 2023-10-06.

Conditions:
CFTR-related disorder (CFTR-RD). Also called: CFTR-related condition; CFTR-related disorders. Identifiers: MedGen C5924204, MONDO:7770004.
Cystic fibrosis (CF). Also called: MUCOVISCIDOSIS. Identifiers: Orphanet 586, MedGen C0010674, MONDO:0009061, OMIM 219700. Disease mechanism: loss of function.

Allele frequency attached by ClinVar (database versions not stated): gnomAD exomes below 0.00001; ExAC 0.00001; ESP Exome Variant Server 0.00008.
gnomAD v4.1: 1 of 1,611,448 alleles (0.000062%); highest among the groups gnomAD compares: Non-Finnish European, 0.000085%; no homozygotes.

Submissions (4):

Labcorp Genetics (formerly Invitae), Labcorp
Classification: Likely benign for Cystic fibrosis. Last evaluated: 2023-10-06. Review status: criteria provided, single submitter. Criteria: Invitae Variant Classification Sherloc (09022015). Collection method: clinical testing. Allele origin: germline.

Ambry Genetics
Classification: Likely benign for Cystic fibrosis. Last evaluated: 2022-05-30. Review status: criteria provided, single submitter. Criteria: Ambry Variant Classification Scheme 2023. Collection method: clinical testing. Allele origin: germline.

Quest Diagnostics Nichols Institute San Juan Capistrano
Classification: Likely benign. Last evaluated: 2021-06-28. Review status: criteria provided, single submitter. Criteria: Quest Diagnostics criteria. Collection method: clinical testing. Allele origin: unknown.

PreventionGenetics, part of Exact Sciences
Classification: Likely benign for CFTR-related condition. Last evaluated: 2022-02-28. Review status: no assertion criteria provided. Collection method: clinical testing. Allele origin: germline. Not counted in ClinVar's aggregate classification.
Comment: This variant is classified as likely benign based on ACMG/AMP sequence variant interpretation guidelines (Richards et al. 2015 PMID: 25741868, with internal and published modifications).